The following is an entry in ClinVar:

NC_000011.10:g.5227159G>A

Genes: HBB (hemoglobin subunit beta; minus strand), LOC106099062 (HBB recombination region; plus strand), LOC107133510 (origin of replication at HBB; plus strand). Cytogenetic location: 11p15.4.
Variant type: single nucleotide variant.
Genome position: GRCh38 VCF-style: chr11-5227159-G-A. GRCh37 (hg19) VCF-style: chr11-5248389-G-A.
Other names: -88 C>T; -88C-T; c.-138C>T (NM_000518.5).
Identifiers: ClinVar variation 15460 (VCV000015460.127), dbSNP rs33944208, ClinGen allele CA125320.
Genomic context (GRCh38, chr11:5,227,159, plus strand): 5'-TTATGCCCAGCCCTGGCTCCTGCCCTCCCTGCTCCTGGGAGTAGATTGGCCAACCCTAGG[G>A]TGTGGCTCCACAGGGTGAGGTCTAAGTGATGACAGCCGTACCTGTCCTTGGCTCTTCTGG-3'

ClinVar aggregate classification (germline): Pathogenic/Likely pathogenic. Review status: criteria provided, multiple submitters, no conflicts (2 of 4 stars). 13 submissions from 13 submitters: Pathogenic (10); Likely pathogenic (1). 2 of the submissions do not count toward it. Last evaluated 2026-05-02.

Conditions:
Hereditary persistence of fetal hemoglobin. Identifiers: MedGen C0019025, MONDO:0020989, OMIM 141749.
METHEMOGLOBINEMIA, BETA TYPE. Also called: Methemoglobinemia, beta-globin type. Identifiers: MedGen C1840779, OMIM 617971.
Malaria, susceptibility to. Identifiers: Orphanet 673, MedGen C1970028, MONDO:0021024, OMIM 611162.
Dominant beta-thalassemia. Also called: Beta-thalassemia, dominant inclusion body type. Identifiers: Orphanet 231226, Orphanet 848, MedGen C1858990, MONDO:0011381, OMIM 603902.
Beta-thalassemia HBB/LCRB. Identifiers: MedGen CN322236, MONDO:0013517, OMIM 613985.
Erythrocytosis, familial, 6. Also called: ERYTHROCYTOSIS, BETA-GLOBIN TYPE; POLYCYTHEMIA, BETA-GLOBIN TYPE. Identifiers: MedGen C4693822, MONDO:0054801, OMIM 617980.
Hb SS disease (SCD). Also called: Hemoglobin SS; Sickle cell anemia; Sickle cell disease; HbS disease; Hemoglobin S Disease; Sickling disorder due to hemoglobin S. Identifiers: Orphanet 232, Orphanet 275752, MedGen C0002895, MONDO:0011382, OMIM 603903.
Heinz body anemia. Also called: Heinz body hemolytic anemia. Identifiers: Orphanet 178330, MedGen C0700299, MONDO:0007705, OMIM 140700, HP:0005511.
HBB-related disorder. Also called: HBB-related disorders; HBB-related condition. Identifiers: MedGen CN239378.
Inborn genetic diseases. Identifiers: MedGen C0950123, MeSH D030342.
Hemoglobinopathy. Also called: Hemoglobin disorder; Haemoglobinopathies. Identifiers: MedGen C0019045, MONDO:0044348.
beta Thalassemia (BTHAL). Also called: Cooley's anemia; Erythroblastic anemia; Mediterranean anemia. Identifiers: Orphanet 848, MedGen C0005283, MONDO:0019402. Disease mechanism: loss of function.
BETA-PLUS-THALASSEMIA. Identifiers: MedGen C3841475.

Allele frequency attached by ClinVar (database versions not stated): gnomAD 0.00021 and 0.00019; 1000 Genomes Project 30x 0.00016; 1000 Genomes Project 0.00020; TOPMed 0.00031.

Submissions 1 to 9 of 13:

GeneDx
Classification: Pathogenic. Last evaluated: 2026-05-02. Review status: criteria provided, single submitter. Criteria: GeneDx Variant Classification Process June 2021. Collection method: clinical testing. Allele origin: germline.
Comment: Published functional studies demonstrate that this variant results in a reduction of beta-globin mRNA compared to wild type beta-globin (PMID: 6086605); Also known as -88C>T; Located in a regulatory region; in the absence of functional studies, the actual effect of this sequence change is unknown; This variant is associated with the following publications: (PMID: 28385923, 16732578, 22975760, 27263053, 7909640, 26202972, 28366028, 28670940, 32172616, 31395865, 26372288, 9163586, 33947296, 6086605, 2458145)

Labcorp Genetics (formerly Invitae), Labcorp
Classification: Pathogenic. Last evaluated: 2026-01-29. Review status: criteria provided, single submitter. Criteria: Invitae Variant Classification Sherloc (09022015). Collection method: clinical testing. Allele origin: germline.
Comment: This variant occurs in a non-coding region of the HBB gene. It does not change the encoded amino acid sequence of the HBB protein. This variant is present in population databases (rs33944208, gnomAD 0.09%). This variant has been observed in individual(s) with autosomal recessive beta thalassemia (PMID: 2458145, 27263053, 28385923). In at least one individual the data is consistent with being in trans (on the opposite chromosome) from a pathogenic variant. This variant is also known as -88C>T. ClinVar contains an entry for this variant (Variation ID: 15460). Algorithms developed to predict the effect of variants on gene product structure and function are not available or were not evaluated for this variant. Experimental studies have shown that this variant affects HBB function (PMID: 6086605). For these reasons, this variant has been classified as Pathogenic.

Natera, Inc.
Classification: Pathogenic for Beta thalassemia. Last evaluated: 2025-12-26. Review status: criteria provided, single submitter. Criteria: Natera Variant Classification Schema (03/2026). Collection method: clinical testing. Allele origin: germline.
Comment: The c.-138C>T variant in HBB, also known as NC_000011.10:g.5227159G>A, is a 5' untranslated region (UTR) variant located upstream of the translation start codon. This variant is rare in the general population with a frequency below the threshold expected for the associated phenotype(s). This variant has been observed in one or more individuals affected with the associated recessive disease, as either homozygous or compound heterozygous with a second variant (PMID: 27117567). Computational prediction algorithms indicate this variant is likely to affect gene or protein function. Given the available evidence, this variant is classified as Pathogenic.

ARUP Laboratories, Molecular Genetics and Genomics, ARUP Laboratories
Classification: Pathogenic. Last evaluated: 2025-07-30. Review status: criteria provided, single submitter. Criteria: ARUP Molecular Germline Variant Investigation Process 2024. Collection method: clinical testing. Allele origin: germline.
Comment: The HBB c.-138C>T variant (rs33944208, HbVar ID:756), also known as -88 C>T, has been reported in multiple patients with mild microcytic anemia (Orkin 1984, Wong 1986, Gonzalez-Redondo 1988), and has been found in-trans with other HBB pathogenic variants (Muniz 2000, Gonzalez-Redondo 1988, HbVar database). Functional characterization indicates that the variant alters the binding of transcription factors to the betaglobin promoter, and reduces the expression of HBB mRNA by 3 to 5 fold (Orkin 1984, HbVar database). This variant is found in the African population with an allele frequency of 0.09% (8/8708 alleles) in the Genome Aggregation Database. Based on the above information, the variant is classified as pathogenic. References: Link to HbVar database: Gonzalez-Redondo JM et al. Clinical and genetic heterogeneity in black patients with homozygous beta-thalassemia from the southeastern United States. Blood. 1988 Sep;72(3):1007-14. PMID: 2458145. Muniz A et al. Beta-thalassaemia in Cubans: novel allele increases the genetic diversity at the HBB locus in the Caribbean. Am J Hematol. 2000 May;64(1):7-14. PMID: 10815781. Orkin SH et al. Base substitution at position -88 in a beta-thalassemic globin gene. Further evidence for the role of distal promoter element ACACCC. J Biol Chem. 1984 Jul 25;259(14):8679-81. PMID: 6086605. Wong C et al. On the origin and spread of beta-thalassemia: recurrent observation of four mutations in different ethnic groups. Proc Natl Acad Sci U S A. 1986 Sep;83(17):6529-32. PMID: 3462712.

Dasa
Classification: Pathogenic. Last evaluated: 2025-06-16. Review status: criteria provided, single submitter. Criteria: DASA Assertion Criteria. Collection method: clinical testing. Allele origin: germline.
Comment: NM_000518.5(HBB):c.-138C>T affects a canonical splice site and is predicted to disrupt normal RNA splicing, leading to loss of normal protein function. Loss-of-function is an established mechanism of disease for this gene. This variant has been observed in affected individuals with related phenotype in a genotype context consistent with recessive disease (PMID: 6086605; PMID: 2458145; PMID: 27263053; PMID: 28385923; PMID: 36598439). Functional evidence supports a deleterious effect on the gene or gene product (PMID: 6086605; PMID: 2458145; PMID: 27263053; PMID: 28385923; PMID: 36598439). This variant has been recurrently observed in individuals with related phenotype (PMID: 6086605; PMID: 2458145; PMID: 27263053; PMID: 28385923; PMID: 36598439). The variant is present at low frequency in population datasets. Based on the available data, this variant is classified as pathogenic.

PreventionGenetics, part of Exact Sciences
Classification: Pathogenic for HBB-related condition. Last evaluated: 2025-02-19. Review status: criteria provided, single submitter. Criteria: ACMG Guidelines, 2015. Collection method: clinical testing. Allele origin: germline.
Comment: The HBB c.-138C>T variant is located in the 5' untranslated region. This variant has been shown to disrupt the promoter region of the HBB gene leading to impaired gene transcription and has been reported to be causative for beta thalassemia (Orkin et al. 1984. PubMed ID: 6086605; Gonzalez-Redondo et al. 1988. PubMed ID: 2458145; HbVar). This variant is reported in 0.092% of alleles in individuals of African descent in gnomAD. This variant is interpreted as pathogenic.

Fulgent Genetics
Classification: Pathogenic for Heinz body anemia; Hereditary persistence of fetal hemoglobin; Dominant beta-thalassemia; Hb SS disease; Malaria, susceptibility to; Beta-thalassemia HBB/LCRB; METHEMOGLOBINEMIA, BETA TYPE; Erythrocytosis, familial, 6. Last evaluated: 2024-05-06. Review status: criteria provided, single submitter. Criteria: ACMG Guidelines, 2015. Collection method: clinical testing. Allele origin: germline.

Quest Diagnostics Nichols Institute San Juan Capistrano
Classification: Pathogenic. Last evaluated: 2024-02-06. Review status: criteria provided, single submitter. Criteria: Quest Diagnostics criteria. Collection method: clinical testing. Allele origin: unknown.
Comment: The HBB c.-138C>T variant (also known as c.-50-88C>T and HBB -88C>T) has been reported in the published literature in affected individuals with beta thalassemia (PMIDs: 16732578 (2008), 27117567 (2016), 27263053 (2016), 27765567 (2017), 28385923 (2017), and 33947296 (2023)). Experimental studies have shown that this variant has an inconclusive effect on HBB function (PMIDs: 6086605 (1984) and 31395865 (2023)). This variant has not been reported in large, multi-ethnic general populations (Genome Aggregation Database). Based on the available information, this variant is classified as pathogenic.

Myriad Genetics, Inc.
Classification: Likely pathogenic for Beta-thalassemia HBB/LCRB. Last evaluated: 2019-12-20. Review status: criteria provided, single submitter. Criteria: Myriad Women's Health Autosomal Recessive and X-Linked Classification Criteria (2019). Collection method: clinical testing. Allele origin: unknown.
Comment: NM_000518.4(HBB):c.-138C>T(aka -88C>T) is classified as likely pathogenic in the context of Hb beta chain-related hemoglobinopathy; it is associated with beta thalassemia and is classified as a beta-plus variant. Sources cited for classification include the following: PMID 2458145 and 6086605. Classification of NM_000518.4(HBB):c.-138C>T(aka -88C>T) is based on the following criteria: This variant has been observed more frequently in patients with clinical diagnoses than in healthy populations. Please note: this variant was assessed in the context of healthy population screening.